The following is an entry in ClinVar:

NC_000008.10:g.(?_145736814)_(145743168_?)del

Gene: RECQL4 (RecQ like helicase 4; minus strand). Cytogenetic location: 8q24.3.
Variant type: Deletion.
Identifiers: ClinVar variation 1458090 (VCV001458090.4).

ClinVar aggregate classification (germline): Pathogenic (1 of 4 stars; one submission).

Conditions:
Baller-Gerold syndrome (BGS). Also called: CRANIOSYNOSTOSIS WITH RADIAL DEFECTS. Identifiers: Orphanet 1225, MedGen C0265308, MONDO:0009039, OMIM 218600.

Submission:

Labcorp Genetics (formerly Invitae), Labcorp
Classification: Pathogenic for Baller-Gerold syndrome. Last evaluated: 2022-11-05. Review status: criteria provided, single submitter. Criteria: Invitae Variant Classification Sherloc (09022015). Collection method: clinical testing. Allele origin: germline.
Comment: A gross deletion of the genomic region encompassing the full coding sequence of the RECQL4 gene has been identified. Loss-of-function variants in RECQL4 are known to be pathogenic (PMID: 12734318, 12952869). The boundaries of this event are unknown as they extend beyond the assayed region for this gene and therefore may encompass additional genes. This variant has not been reported in the literature in individuals affected with RECQL4-related conditions. For these reasons, this variant has been classified as Pathogenic.

Literature cited by the submitters: PubMed 12734318; PubMed 12952869.